The following is an entry in ClinVar:

NM_174916.3(UBR1):c.1326T>G (p.Thr442=)

Gene: UBR1 (ubiquitin protein ligase E3 component n-recognin 1; minus strand). Cytogenetic location: 15q15.2.
Variant type: single nucleotide variant.
Coding change: c.1326T>G on transcript NM_174916.3 (MANE Select); coding-DNA position 1326, T replaced by G.
Protein change: p.Thr442=; no amino-acid change (threonine 442 retained).
Molecular consequence: synonymous variant.
Genome position (GRCh38, 1-based): chr15:43,054,855, A>C on the plus strand (T>G on the coding strand, the complement: UBR1 is on the minus strand). VCF-style: chr15-43054855-A-C. GRCh37 (hg19) VCF-style: chr15-43347053-A-C.
Identifiers: ClinVar variation 708694 (VCV000708694.38), dbSNP rs773008060, ClinGen allele CA7518758.

ClinVar aggregate classification (germline): Likely benign. Review status: criteria provided, multiple submitters, no conflicts (2 of 4 stars). 2 submissions from 2 submitters: Likely benign (2). Last evaluated 2024-05-30.

Allele frequency attached by ClinVar (database versions not stated): gnomAD 0.00001; TOPMed 0.00002; gnomAD exomes 0.00003 and 0.00006; ExAC 0.00004.
gnomAD v4.1: 93 of 1,614,070 alleles (0.0058%); highest among the groups gnomAD compares: Non-Finnish European, 0.0076%; no homozygotes.

Submissions (2):

Labcorp Genetics (formerly Invitae), Labcorp
Classification: Likely benign. Last evaluated: 2024-05-30. Review status: criteria provided, single submitter. Criteria: Invitae Variant Classification Sherloc (09022015). Collection method: clinical testing. Allele origin: germline.

CeGaT Center for Human Genetics Tuebingen
Classification: Likely benign. Last evaluated: 2022-03-01. Review status: criteria provided, single submitter. Criteria: CeGaT Center For Human Genetics Tuebingen Variant Classification Criteria Version 2. Collection method: clinical testing. Allele origin: germline. Affected: yes. Observed: 1 variant allele.
Comment: UBR1: BP4, BP7